The following is an entry in ClinVar:

ClinVar aggregate classification (germline): Uncertain significance (1 of 4 stars; one submission).

Conditions:
Immunodeficiency. Identifiers: MedGen C0021051, MONDO:0021094, HP:0002721.

Allele frequency attached by ClinVar (database versions not stated): gnomAD exomes 0.00001; ExAC 0.00003.

Submission:

Labcorp Genetics (formerly Invitae), Labcorp
Classification: Uncertain significance for Immunodeficiency. Last evaluated: 2025-09-21. Review status: criteria provided, single submitter. Criteria: Invitae Variant Classification Sherloc (09022015). Collection method: clinical testing. Allele origin: germline.
Comment: This sequence change replaces glutamic acid, which is acidic and polar, with lysine, which is basic and polar, at codon 385 of the NFAT5 protein (p.Glu385Lys). This variant is present in population databases (rs760226441, gnomAD 0.02%). This missense change has been observed in individual(s) with NFAT5-related conditions (PMID: 33225392). This variant is also known as c.1435G>A (p.Glu479Lys). ClinVar contains an entry for this variant (Variation ID: 2991463). An algorithm developed to predict the effect of missense changes on protein structure and function (PolyPhen-2) suggests that this variant is likely to be disruptive. In summary, the available evidence is currently insufficient to determine the role of this variant in disease. Therefore, it has been classified as a Variant of Uncertain Significance.

Literature cited by the submitters: PubMed 33225392.

NM_138713.4(NFAT5):c.1435G>A (p.Glu479Lys)

Gene: NFAT5 (nuclear factor of activated T cells 5; plus strand). Cytogenetic location: 16q22.1.
Variant type: single nucleotide variant.
Coding change: c.1435G>A on transcript NM_138713.4 (MANE Select); coding-DNA position 1435, G replaced by A.
Protein change: p.Glu479Lys; replaces glutamic acid 479 with lysine.
Molecular consequence: missense variant.
Genome position (GRCh38, 1-based): chr16:69,670,042, G>A. VCF-style: chr16-69670042-G-A. GRCh37 (hg19) VCF-style: chr16-69703945-G-A.
Other names: c.1435G>A, p.Glu479Lys (NM_001113178.3); c.763G>A, p.Glu255Lys (NM_001367709.1); c.1381G>A, p.Glu461Lys (NM_006599.4); c.1153G>A, p.Glu385Lys (NM_138714.4, NM_173214.3, NM_173215.3); short protein forms E461K, E255K, E385K, E479K.
Identifiers: ClinVar variation 2991463 (VCV002991463.3), dbSNP rs760226441, ClinGen allele CA8135541.
Genomic context (GRCh38, chr16:69,670,042, plus strand): 5'-CCAGCAGGAGTGCCAGAAATCTTAAAGAAAAGCTTGCATAGCTGTTCAGTGAAAGGAGAA[G>A]AAGAAGTGTTTTTAATCGGCAAGAACTTTCTGAAAGGAACTAAAGTTATTTTCCAAGAAA-3'
Protein context (NP_619727.2, residues 469-489): SLHSCSVKGE[Glu479Lys]EVFLIGKNFL